The following is an entry in ClinVar:

ClinVar aggregate classification (germline): Uncertain significance (1 of 4 stars; one submission).

Conditions:
Pyruvate dehydrogenase E1-alpha deficiency (PDHAD). Also called: ATAXIA, INTERMITTENT, WITH PYRUVATE DEHYDROGENASE DEFICIENCY; Ataxia, intermittent, with pyruvate dehydrogenase, or decarboxylase, deficiency; ATAXIA WITH LACTIC ACIDOSIS I; ATAXIA, INTERMITTENT, WITH ABNORMAL PYRUVATE METABOLISM. Identifiers: Orphanet 79243, MedGen C1839413, MONDO:0010717, OMIM 312170.

Allele frequency attached by ClinVar (database versions not stated): TOPMed below 0.00001; gnomAD 0.00001.

Submission:

Labcorp Genetics (formerly Invitae), Labcorp
Classification: Uncertain significance for Pyruvate dehydrogenase E1-alpha deficiency. Last evaluated: 2023-08-07. Review status: criteria provided, single submitter. Criteria: Invitae Variant Classification Sherloc (09022015). Collection method: clinical testing. Allele origin: germline.
Comment: In summary, the available evidence is currently insufficient to determine the role of this variant in disease. Therefore, it has been classified as a Variant of Uncertain Significance. Advanced modeling of protein sequence and biophysical properties (such as structural, functional, and spatial information, amino acid conservation, physicochemical variation, residue mobility, and thermodynamic stability) has been performed at Invitae for this missense variant, however the output from this modeling did not meet the statistical confidence thresholds required to predict the impact of this variant on PDHA1 protein function. This variant has not been reported in the literature in individuals affected with PDHA1-related conditions. This variant is not present in population databases (gnomAD no frequency). This sequence change replaces glutamine, which is neutral and polar, with lysine, which is basic and polar, at codon 382 of the PDHA1 protein (p.Gln382Lys).

NM_000284.4(PDHA1):c.1144C>A (p.Gln382Lys)

Gene: PDHA1 (pyruvate dehydrogenase E1 subunit alpha 1; plus strand). Cytogenetic location: Xp22.12.
Variant type: single nucleotide variant.
Coding change: c.1144C>A on transcript NM_000284.4 (MANE Select); coding-DNA position 1144, C replaced by A.
Protein change: p.Gln382Lys; replaces glutamine 382 with lysine.
Molecular consequence: missense variant.
Genome position (GRCh38, 1-based): chrX:19,359,624, C>A. VCF-style: chrX-19359624-C-A. GRCh37 (hg19) VCF-style: chrX-19377742-C-A.
Other names: c.1258C>A, p.Gln420Lys (NM_001173454.2); c.1165C>A, p.Gln389Lys (NM_001173455.2); c.1051C>A, p.Gln351Lys (NM_001173456.2); short protein forms Q351K, Q420K, Q382K, Q389K.
Identifiers: ClinVar variation 2783468 (VCV002783468.1), dbSNP rs2063247855, ClinGen allele CA412397195.